The following is an entry in ClinVar:

NM_024740.2(ALG9):c.1364G>A (p.Arg455Gln)

Gene: ALG9 (ALG9 alpha-1,2-mannosyltransferase; minus strand). Cytogenetic location: 11q23.1.
Variant type: single nucleotide variant.
Coding change: c.1364G>A on transcript NM_024740.2 (MANE Select); coding-DNA position 1364, G replaced by A.
Protein change: p.Arg455Gln; replaces arginine 455 with glutamine.
Molecular consequence: missense variant. On other transcripts: non-coding transcript variant (1).
Genome position (GRCh38, 1-based): chr11:111,837,576, C>T on the plus strand (G>A on the coding strand, the complement: ALG9 is on the minus strand). VCF-style: chr11-111837576-C-T. GRCh37 (hg19) VCF-style: chr11-111708299-C-T.
Other names: c.1343G>A, p.Arg448Gln (NM_001077690.1, NM_001352417.1); c.851G>A, p.Arg284Gln (NM_001077691.2, NM_001352413.1, NM_001352414.2 and 1 more transcripts); c.830G>A, p.Arg277Gln (NM_001077692.2, NM_001352409.1, NM_001352410.1 and 6 more transcripts); c.1220G>A, p.Arg407Gln (NM_001352418.1); c.755G>A, p.Arg252Gln (NM_001352422.2); c.707G>A, p.Arg236Gln (NM_001352423.2); short protein forms R236Q, R252Q, R277Q, R284Q, R407Q, R448Q, R455Q.
Identifiers: ClinVar variation 3376612 (VCV003376612.1).

ClinVar aggregate classification (germline): Uncertain significance (1 of 4 stars; one submission).

Conditions:
ALG9 congenital disorder of glycosylation (CDG1L). Also called: CONGENITAL DISORDER OF GLYCOSYLATION, TYPE Il; ALG9-CDG; CDG Il. Identifiers: Orphanet 79328, MedGen C2931006, MONDO:0012117, OMIM 608776.

gnomAD v4.1: 21 of 1,613,906 alleles (0.0013%); highest among the groups gnomAD compares: Middle Eastern, 0.016%; no homozygotes.

Submission:

Victorian Clinical Genetics Services, Murdoch Childrens Research Institute
Classification: Uncertain significance for ALG9 congenital disorder of glycosylation. Last evaluated: 2022-02-02. Review status: criteria provided, single submitter. Criteria: ACMG Guidelines, 2015. Collection method: clinical testing. Allele origin: germline.
Comment: Based on the classification scheme VCGS_Germline_v1.3.4, this variant is classified as VUS-3C. Following criteria are met: 0102 - Loss of function is a known mechanism of disease in this gene and is associated with type II congenital disorder of glycosylation (MIM#608776), Gillessen-Kaesbach-Nishimura syndrome (MIM#263210) and polycystic kidney and liver diseases (OMIM and PMID:31395617). (I) 0108 - This gene is associated with both recessive and dominant disease. Type II congenital disorder of glycosylation (MIM#608776) and Gillessen-Kaesbach-Nishimura syndrome (MIM#263210) are autosomal recessive, polycystic kidney and liver diseases are autosomal dominant (OMIM and PMID: 31395617). (I) 0112 - The condition associated with this gene has incomplete penetrance. The autosomal dominant polycystic kidney and liver diseases associated with this gene are age-dependent and have incomplete penetrance (PMID: 31395617). (I) 0200 - Variant is predicted to result in a missense amino acid change from arginine to glutamine. (I) 0252 - This variant is homozygous. (I) 0304 - Variant is present in gnomAD (v2) <0.01 for a recessive condition (4 heterozygotes, 0 homozygotes). (SP) 0309 - An alternative amino acid change at the same position has been observed in gnomAD (v2) (1 heterozygote, 0 homozygotes). (I) 0503 - Missense variant consistently predicted to be tolerated by multiple in silico tools or not conserved in placental mammals with a minor amino acid change. (SB) 0600 - Variant is located in the annotated Alg9-like mannosyltransferase family domain (NCBI). (I) 0705 - No comparable missense variants have previous evidence for pathogenicity. (I) 0807 - This variant has no previous evidence of pathogenicity. (I) 0905 - No published segregation evidence has been identified for this variant. (I) 1007 - No published functional evidence has been identified for this variant. (I) Legend: (SP) - Supporting pathogenic, (I) - Information, (SB) - Supporting benign

Literature cited by the submitters: PubMed 31395617.